The following is an entry in ClinVar:

NM_001244008.2(KIF1A):c.137C>T (p.Thr46Met)

Gene: KIF1A (kinesin family member 1A; minus strand). Cytogenetic location: 2q37.3.
Variant type: single nucleotide variant.
Coding change: c.137C>T on transcript NM_001244008.2 (MANE Select); coding-DNA position 137, C replaced by T.
Protein change: p.Thr46Met; replaces threonine 46 with methionine.
Molecular consequence: missense variant.
Genome position (GRCh38, 1-based): chr2:240,789,282, G>A on the plus strand (C>T on the coding strand, the complement: KIF1A is on the minus strand). VCF-style: chr2-240789282-G-A. GRCh37 (hg19) VCF-style: chr2-241728699-G-A.
Other names: c.137C>T, p.Thr46Met (NM_001320705.2, NM_001330289.2, NM_001330290.2 and 20 more transcripts); short protein forms T46M.
Identifiers: ClinVar variation 899265 (VCV000899265.39), dbSNP rs182395595, ClinGen allele CA2208894.

ClinVar aggregate classification (germline): Uncertain significance. Review status: criteria provided, multiple submitters, no conflicts (2 of 4 stars). 7 submissions from 7 submitters: Uncertain significance (7). Last evaluated 2026-02-02.

Conditions:
Neuropathy, hereditary sensory, type 2C. Also called: KIF1A-Related HSAN2 (HSAN2C); Hereditary sensory and autonomic neuropathy type IIC. Identifiers: Orphanet 970, MedGen C3280168, MONDO:0013634, OMIM 614213.
Hereditary spastic paraplegia 30. Identifiers: Orphanet 101010, MedGen C5235139, MONDO:0012476.
Intellectual disability, autosomal dominant 9 (NESCAVS). Also called: NESCAV SYNDROME; KIF1A-Related Neurodevelopmental Disorder. Identifiers: Orphanet 662367, MedGen C5393830, MONDO:0013656, OMIM 614255.

Allele frequency attached by ClinVar (database versions not stated): gnomAD exomes 0.00004 and 0.00007; ExAC 0.00006; TOPMed 0.00012; ESP Exome Variant Server 0.00015; 1000 Genomes Project 30x 0.00031; 1000 Genomes Project 0.00040.
gnomAD v4.1: 72 of 1,613,856 alleles (0.0045%); highest among the groups gnomAD compares: Middle Eastern, 0.017%; no homozygotes.

Submissions (7):

Labcorp Genetics (formerly Invitae), Labcorp
Classification: Uncertain significance for Hereditary spastic paraplegia 30; Neuropathy, hereditary sensory, type 2C; Intellectual disability, autosomal dominant 9. Last evaluated: 2026-02-02. Review status: criteria provided, single submitter. Criteria: Invitae Variant Classification Sherloc (09022015). Collection method: clinical testing. Allele origin: germline.
Comment: This sequence change replaces threonine, which is neutral and polar, with methionine, which is neutral and non-polar, at codon 46 of the KIF1A protein (p.Thr46Met). This variant is present in population databases (rs182395595, gnomAD 0.01%). This variant has not been reported in the literature in individuals affected with KIF1A-related conditions. ClinVar contains an entry for this variant (Variation ID: 899265). Invitae Evidence Modeling of protein sequence and biophysical properties (such as structural, functional, and spatial information, amino acid conservation, physicochemical variation, residue mobility, and thermodynamic stability) indicates that this missense variant is expected to disrupt KIF1A protein function with a positive predictive value of 95%. In summary, the available evidence is currently insufficient to determine the role of this variant in disease. Therefore, it has been classified as a Variant of Uncertain Significance.

CeGaT Center for Human Genetics Tuebingen
Classification: Uncertain significance. Last evaluated: 2026-02-01. Review status: criteria provided, single submitter. Criteria: CeGaT Center For Human Genetics Tuebingen Variant Classification Criteria Version 2. Collection method: clinical testing. Allele origin: germline. Affected: yes. Observed: 2 variant alleles.
Comment: KIF1A: PP2

Women's Health and Genetics/Laboratory Corporation of America, LabCorp
Classification: Uncertain significance. Last evaluated: 2025-12-03. Review status: criteria provided, single submitter. Criteria: LabCorp Variant Classification Summary - May 2015. Collection method: clinical testing. Allele origin: germline.
Comment: Variant summary: KIF1A c.137C>T (p.Thr46Met) results in a non-conservative amino acid change in the encoded protein sequence. Algorithms developed to predict the effect of missense changes on protein structure and function are either unavailable or do not agree on the potential impact of this missense change. The variant allele was found at a frequency of 6.8e-05 in 249762 control chromosomes. This frequency is not significantly higher than estimated for disease-causing variants in KIF1A, allowing no conclusion about variant significance. To our knowledge, no occurrence of c.137C>T in individuals affected with KIF1A-related conditions and no experimental evidence demonstrating its impact on protein function have been reported. ClinVar contains an entry for this variant (Variation ID: 899265). Based on the evidence outlined above, the variant was classified as uncertain significance.

Blueprint Genetics
Classification: Uncertain significance. Last evaluated: 2024-09-18. Review status: criteria provided, single submitter. Criteria: ACMG Guidelines, 2015. Collection method: clinical testing. Allele origin: germline.

GeneDx
Classification: Uncertain significance. Last evaluated: 2021-12-14. Review status: criteria provided, single submitter. Criteria: GeneDx Variant Classification Process June 2021. Collection method: clinical testing. Allele origin: germline. Affected: yes.
Comment: In silico analysis supports that this missense variant has a deleterious effect on protein structure/function; Has not been previously published as pathogenic or benign to our knowledge; This variant is associated with the following publications: (PMID: 26125038, 21820098, 21376300)

Illumina Laboratory Services, Illumina
Classification: Uncertain significance for Spastic paraplegia 30A, autosomal dominant. Last evaluated: 2018-01-13. Review status: criteria provided, single submitter. Criteria: ICSL Variant Classification Criteria 13 December 2019. Collection method: clinical testing. Allele origin: germline.

Breakthrough Genomics
Classification: Uncertain significance. Review status: criteria provided, single submitter. Criteria: ACMG Guidelines, 2015. Collection method: not provided. Allele origin: germline. Inheritance: Autosomal recessive inheritance. Affected: yes.